The following is an entry in ClinVar:

NM_006949.4(STXBP2):c.622A>C (p.Lys208Gln)

Gene: STXBP2 (syntaxin binding protein 2; plus strand). Cytogenetic location: 19p13.2.
Variant type: single nucleotide variant.
Coding change: c.622A>C on transcript NM_006949.4 (MANE Select); coding-DNA position 622, A replaced by C.
Protein change: p.Lys208Gln; replaces lysine 208 with glutamine.
Molecular consequence: missense variant. On other transcripts: non-coding transcript variant (1).
Genome position (GRCh38, 1-based): chr19:7,642,077, A>C. VCF-style: chr19-7642077-A-C. GRCh37 (hg19) VCF-style: chr19-7706963-A-C.
Other names: c.613A>C, p.Lys205Gln (NM_001127396.3); c.655A>C, p.Lys219Gln (NM_001272034.2); short protein forms K205Q, K208Q, K219Q.
Identifiers: ClinVar variation 1367636 (VCV001367636.5), dbSNP rs1015967474, ClinGen allele CA304907242.

ClinVar aggregate classification (germline): Uncertain significance (1 of 4 stars; one submission).

Conditions:
Familial hemophagocytic lymphohistiocytosis 5. Also called: STXBP2-Related Familial Hemophagocytic Lymphohistiocytosis (STXBP2-fHLH). Identifiers: Orphanet 540, MedGen C2751293, MONDO:0013135, OMIM 613101.

Allele frequency attached by ClinVar (database versions not stated): gnomAD exomes 0.00002 and 0.00001; gnomAD 0.00001; TOPMed 0.00001.
gnomAD v4.1: 7 of 1,613,932 alleles (0.00043%); highest among the groups gnomAD compares: Non-Finnish European, 0.00059%; no homozygotes.

Submission:

Labcorp Genetics (formerly Invitae), Labcorp
Classification: Uncertain significance for Familial hemophagocytic lymphohistiocytosis 5. Last evaluated: 2021-12-20. Review status: criteria provided, single submitter. Criteria: Invitae Variant Classification Sherloc (09022015). Collection method: clinical testing. Allele origin: germline.
Comment: This sequence change replaces lysine, which is basic and polar, with glutamine, which is neutral and polar, at codon 208 of the STXBP2 protein (p.Lys208Gln). This variant is present in population databases (no rsID available, gnomAD 0.004%). This variant has not been reported in the literature in individuals affected with STXBP2-related conditions. Algorithms developed to predict the effect of missense changes on protein structure and function are either unavailable or do not agree on the potential impact of this missense change (SIFT: "Tolerated"; PolyPhen-2: "Probably Damaging"; Align-GVGD: "Class C0"). Algorithms developed to predict the effect of sequence changes on RNA splicing suggest that this variant may create or strengthen a splice site. In summary, the available evidence is currently insufficient to determine the role of this variant in disease. Therefore, it has been classified as a Variant of Uncertain Significance.